The following is an entry in ClinVar:

NM_003491.4(NAA10):c.120+5G>T

Gene: NAA10 (N-alpha-acetyltransferase 10, NatA catalytic subunit; minus strand). Cytogenetic location: Xq28.
Variant type: single nucleotide variant.
Coding change: c.120+5G>T on transcript NM_003491.4 (MANE Select); 5 bases into the intron after coding-DNA position 120, G replaced by T.
Molecular consequence: intron variant.
Genome position (GRCh38, 1-based): chrX:153,934,372, C>A on the plus strand (G>T on the coding strand, the complement: NAA10 is on the minus strand). VCF-style: chrX-153934372-C-A. GRCh37 (hg19) VCF-style: chrX-153199825-C-A.
Other names: c.120+5G>T (NM_001256120.2, NM_001256119.2).
Identifiers: ClinVar variation 3035240 (VCV003035240.2), dbSNP rs2521341607, ClinGen allele CA2740090180.

ClinVar aggregate classification (germline): Uncertain significance (0 of 4 stars; one submission).

Conditions:
NAA10-related disorder. Also called: NAA10-related condition; NAA10-related disorders.

Submission:

PreventionGenetics, part of Exact Sciences
Classification: Uncertain significance for NAA10-related condition. Last evaluated: 2024-02-21. Review status: no assertion criteria provided. Collection method: clinical testing. Allele origin: germline.
Comment: The NAA10 c.120+5G>T variant is predicted to interfere with splicing. This variant is predicted to impact splicing based on splicing prediction tools (SpliceAI, Jaganathan K, et al. 2019. PubMed ID: 30661751). To our knowledge, this variant has not been reported in the literature or in a large population database, indicating this variant is rare. At this time, the clinical significance of this variant is uncertain due to the absence of conclusive functional and genetic evidence.